The following is an entry in ClinVar:

NM_000271.5(NPC1):c.3718G>C (p.Gly1240Arg)

Gene: NPC1 (NPC intracellular cholesterol transporter 1; minus strand). Cytogenetic location: 18q11.2.
Variant type: single nucleotide variant.
Coding change: c.3718G>C on transcript NM_000271.5 (MANE Select); coding-DNA position 3718, G replaced by C.
Protein change: p.Gly1240Arg; replaces glycine 1240 with arginine.
Molecular consequence: missense variant.
Genome position (GRCh38, 1-based): chr18:23,533,391, C>G on the plus strand (G>C on the coding strand, the complement: NPC1 is on the minus strand). VCF-style: chr18-23533391-C-G. GRCh37 (hg19) VCF-style: chr18-21113355-C-G.
Other names: short protein forms G1240R.
Identifiers: ClinVar variation 4710444 (VCV004710444.2).

ClinVar aggregate classification (germline): Pathogenic/Likely pathogenic. Review status: criteria provided, multiple submitters, no conflicts (2 of 4 stars). 2 submissions from 2 submitters: Pathogenic (1); Likely pathogenic (1). Last evaluated 2026-03-10.

Conditions:
Niemann-Pick disease, type C1. Also called: NEUROVISCERAL STORAGE DISEASE WITH VERTICAL SUPRANUCLEAR OPHTHALMOPLEGIA; NIEMANN-PICK DISEASE WITH CHOLESTEROL ESTERIFICATION BLOCK; NIEMANN-PICK DISEASE WITHOUT SPHINGOMYELINASE DEFICIENCY; NIEMANN-PICK DISEASE, CHRONIC NEURONOPATHIC FORM; NIEMANN-PICK DISEASE, VARIANT TYPE C1. Identifiers: Orphanet 646, MedGen C3179455, MONDO:0009757, OMIM 257220.

Submissions (2):

Myriad Genetics, Inc.
Classification: Likely pathogenic for Niemann-Pick disease, type C1. Last evaluated: 2026-03-10. Review status: criteria provided, single submitter. Criteria: Myriad Autosomal Dominant, Autosomal Recessive and X-Linked Classification Criteria (2023). Collection method: clinical testing. Allele origin: unknown.
Comment: NM_000271.4(NPC1):c.3718G>C(G1240R) is a missense variant classified as likely pathogenic in the context of Niemann-Pick disease type C1. G1240R has been observed in cases with relevant disease (PMID: 26910362, 16126423). Relevant functional assessments of this variant are not available in the literature. G1240R has not been observed in referenced population frequency databases. In summary, NM_000271.4(NPC1):c.3718G>C(G1240R) is a missense variant that has been observed more frequently in cases with the relevant disease than in healthy populations. Please note: this variant was assessed in the context of healthy population screening.

Labcorp Genetics (formerly Invitae), Labcorp
Classification: Pathogenic for Niemann-Pick disease, type C1. Last evaluated: 2025-09-14. Review status: criteria provided, single submitter. Criteria: Invitae Variant Classification Sherloc (09022015). Collection method: clinical testing. Allele origin: germline.
Comment: This sequence change replaces glycine, which is neutral and non-polar, with arginine, which is basic and polar, at codon 1240 of the NPC1 protein (p.Gly1240Arg). This variant is not present in population databases (gnomAD no frequency). This missense change has been observed in individual(s) with Niemann-Pick type C (PMID: 16126423, 26910362). Invitae Evidence Modeling of protein sequence and biophysical properties (such as structural, functional, and spatial information, amino acid conservation, physicochemical variation, residue mobility, and thermodynamic stability) indicates that this missense variant is expected to disrupt NPC1 protein function with a positive predictive value of 95%. For these reasons, this variant has been classified as Pathogenic.

Literature cited by the submitters: PubMed 16126423 (cited by Myriad Genetics, Inc. and Labcorp Genetics (formerly Invitae), Labcorp); PubMed 26910362 (cited by Myriad Genetics, Inc. and Labcorp Genetics (formerly Invitae), Labcorp).